The following is an entry in ClinVar:

NM_003238.6(TGFB2):c.116C>T (p.Ala39Val)

Gene: TGFB2 (transforming growth factor beta 2; plus strand). Cytogenetic location: 1q41.
Variant type: single nucleotide variant.
Coding change: c.116C>T on transcript NM_003238.6 (MANE Select); coding-DNA position 116, C replaced by T.
Protein change: p.Ala39Val; replaces alanine 39 with valine.
Molecular consequence: missense variant. On other transcripts: non-coding transcript variant (2).
Genome position (GRCh38, 1-based): chr1:218,346,817, C>T. VCF-style: chr1-218346817-C-T. GRCh37 (hg19) VCF-style: chr1-218520159-C-T.
Other names: c.116C>T, p.Ala39Val (NM_001135599.4); short protein forms A39V.
Identifiers: ClinVar variation 1490701 (VCV001490701.6), dbSNP rs2102527478, ClinGen allele CA344725324.

ClinVar aggregate classification (germline): Uncertain significance (1 of 4 stars; one submission).

Conditions:
Loeys-Dietz syndrome 4 (LDS4). Also called: ANEURYSM, AORTIC AND CEREBRAL, WITH ARTERIAL TORTUOSITY AND SKELETAL MANIFESTATIONS; TGFB2-Related Loeys-Dietz Syndrome. Identifiers: MedGen C3553762, MONDO:0013897, OMIM 614816.

Submission:

Labcorp Genetics (formerly Invitae), Labcorp
Classification: Uncertain significance for Loeys-Dietz syndrome 4. Last evaluated: 2021-11-24. Review status: criteria provided, single submitter. Criteria: Invitae Variant Classification Sherloc (09022015). Collection method: clinical testing. Allele origin: germline.
Comment: In summary, the available evidence is currently insufficient to determine the role of this variant in disease. Therefore, it has been classified as a Variant of Uncertain Significance. Algorithms developed to predict the effect of sequence changes on RNA splicing suggest that this variant may create or strengthen a splice site. Algorithms developed to predict the effect of missense changes on protein structure and function are either unavailable or do not agree on the potential impact of this missense change (SIFT: "Tolerated"; PolyPhen-2: "Probably Damaging"; Align-GVGD: "Class C0"). This sequence change replaces alanine, which is neutral and non-polar, with valine, which is neutral and non-polar, at codon 39 of the TGFB2 protein (p.Ala39Val). This variant is not present in population databases (gnomAD no frequency). This variant has not been reported in the literature in individuals affected with TGFB2-related conditions.